The following is an entry in ClinVar:

ClinVar aggregate classification (germline): Uncertain significance (1 of 4 stars; one submission).

Conditions:
Dyskeratosis congenita, autosomal dominant 6 (DKCA6). Identifiers: Orphanet 3322, MedGen C4225284, MONDO:0014690, OMIM 616553.

Submission:

Labcorp Genetics (formerly Invitae), Labcorp
Classification: Uncertain significance for Dyskeratosis congenita, autosomal dominant 6. Last evaluated: 2018-06-08. Review status: criteria provided, single submitter. Criteria: Invitae Variant Classification Sherloc (09022015). Collection method: clinical testing. Allele origin: germline.
Comment: In summary, the available evidence is currently insufficient to determine the role of this variant in disease. Therefore, it has been classified as a Variant of Uncertain Significance. Algorithms developed to predict the effect of missense changes on protein structure and function are either unavailable or do not agree on the potential impact of this missense change (SIFT: "Deleterious"; PolyPhen-2: "Probably Damaging"; Align-GVGD: "Class C0"). This variant has not been reported in the literature in individuals with ACD-related disease. This variant is not present in population databases (ExAC no frequency). This sequence change replaces tyrosine with asparagine at codon 504 of the ACD protein (p.Tyr504Asn). The tyrosine residue is highly conserved and there is a large physicochemical difference between tyrosine and asparagine.

NM_001082486.2(ACD):c.1252T>A (p.Tyr418Asn)

Gene: ACD (ACD shelterin complex subunit and telomerase recruitment factor; minus strand). Cytogenetic location: 16q22.1.
Variant type: single nucleotide variant.
Coding change: c.1252T>A on transcript NM_001082486.2 (MANE Select); coding-DNA position 1252, T replaced by A.
Protein change: p.Tyr418Asn; replaces tyrosine 418 with asparagine.
Molecular consequence: missense variant.
Genome position (GRCh38, 1-based): chr16:67,657,808, A>T on the plus strand (T>A on the coding strand, the complement: ACD is on the minus strand). VCF-style: chr16-67657808-A-T. GRCh37 (hg19) VCF-style: chr16-67691711-A-T.
Other names: c.1243T>A, p.Tyr415Asn (NM_022914.3); short protein forms Y415N, Y418N.
Identifiers: ClinVar variation 1007269 (VCV001007269.8), dbSNP rs1281121095, ClinGen allele CA396349918.
Genomic context (GRCh38, chr16:67,657,808, plus strand): 5'-ACCCAGGCACTCACCTGACAGCTTGGACCCGAGCACAGAGGGACGTGCAGGGTGGCTCAT[A>T]CTCATACTGGAAGGCAGAACCATCACGATGCCTCTTTGGGGGTTCCTGAAAGGGGTATGG-3'
Protein context (NP_001075955.2, residues 408-428): HRDGSAFQYE[Tyr418Asn]EPPCTSLCAR